The following is an entry in ClinVar:

NM_000552.5(VWF):c.5235G>A (p.Trp1745Ter)

Gene: VWF (von Willebrand factor; minus strand). Cytogenetic location: 12p13.31.
Variant type: single nucleotide variant.
Coding change: c.5235G>A on transcript NM_000552.5 (MANE Select); coding-DNA position 5235, G replaced by A.
Protein change: p.Trp1745Ter; replaces tryptophan 1745 with a stop codon.
Molecular consequence: nonsense.
Genome position (GRCh38, 1-based): chr12:6,016,592, C>T on the plus strand (G>A on the coding strand, the complement: VWF is on the minus strand). VCF-style: chr12-6016592-C-T. GRCh37 (hg19) VCF-style: chr12-6125758-C-T.
Other names: short protein forms W1745*.
Identifiers: ClinVar variation 1028345 (VCV001028345.3), dbSNP rs267607352, ClinGen allele CA383496189.
Genomic context (GRCh38, chr12:6,016,592, plus strand): 5'-TCCCTCCCGCTGCATGACGTCCACAAGGCTCAGCAAATGGGCTTTCTCCGGGACCACGTT[C>T]CATGGCACGTCAATGGTGGTGATGCTTCCATACTGCAGCACTGACACCTGAGTGAGACGA-3'

ClinVar aggregate classification (germline): Pathogenic (1 of 4 stars; one submission).

Conditions:
von Willebrand disease type 3 (VWD3). Also called: Type 3 Von Willebrand's disease; Type 3 VWD; Von Willebrand disease, severe form; V WD3; VON WILLEBRAND DISEASE, TYPE III. Identifiers: Orphanet 166096, MedGen C1264041, MONDO:0010191, OMIM 277480.

Submission:

Baylor Genetics
Classification: Pathogenic for von Willebrand disease type 3. Last evaluated: 2020-07-01. Review status: criteria provided, single submitter. Criteria: ACMG Guidelines, 2015. Collection method: clinical testing. Allele origin: unknown. Affected: yes.
Comment: This variant was determined to be pathogenic according to ACMG Guidelines, 2015 [PMID:25741868].